The following is an entry in ClinVar:

ClinVar aggregate classification (germline): Likely pathogenic (1 of 4 stars; one submission).

Conditions:
Recessive dystrophic epidermolysis bullosa (RDEB). Also called: epidermolysis bullosa dystrophica, autosomal recessive; Recessive DEB (RDEB); DYSTROPHIC EPIDERMOLYSIS BULLOSA, AUTOSOMAL RECESSIVE; EPIDERMOLYSIS BULLOSA DYSTROPHICA, HALLOPEAU-SIEMENS TYPE; severe generalized recessive dystrophic epidermolysis bullosa; Hallopeau-Siemens Disease. Identifiers: Orphanet 79408, Orphanet 79409, MedGen C0079474, MONDO:0009179, OMIM 226600.

Submission:

Neuberg Centre For Genomic Medicine, NCGM
Classification: Likely pathogenic for Recessive dystrophic epidermolysis bullosa. Last evaluated: 2023-06-22. Review status: criteria provided, single submitter. Criteria: ACMG Guidelines, 2015. Collection method: clinical testing. Allele origin: germline. Inheritance: Autosomal recessive inheritance. Affected: yes.
Comment: The observed frameshift c.3974del (p.Lys1325ArgfsTer74) variant in COL7A1 gene has not been reported previously as a pathogenic variant nor as a benign variant, to our knowledge. The p.Lys1325ArgfsTer74 variant is absent in gnomAD Exomes. This variant has not been submitted to the ClinVar database. This variant causes a frameshift starting with codon Lysine 1325, changes this amino acid to Arginine residue, and creates a premature Stop codon at position 74 of the new reading frame, denoted p.Lys1325ArgfsTer74. This variant is predicted to cause loss of normal protein function through protein truncation. Loss of function variants have been previously reported to be disease causing. Functional studies are required to prove the pathogenicity for the variant, for these reasons, this variant has been classified as Likely Pathogenic.

NM_000094.4(COL7A1):c.3974del (p.Lys1325fs)

Gene: COL7A1 (collagen type VII alpha 1 chain; minus strand). Cytogenetic location: 3p21.31.
Variant type: Deletion.
Coding change: c.3974del on transcript NM_000094.4 (MANE Select); coding-DNA position 3974, one base deleted (A; older notation c.3974delA).
Protein change: p.Lys1325fs; shifts the reading frame from lysine 1325.
Molecular consequence: frameshift variant.
Genome position (GRCh38, 1-based): chr3:48,585,037, T deleted on the plus strand (A on the coding strand, the reverse complement: COL7A1 is on the minus strand); the first of 3 consecutive T bases (chr3:48,585,037-48,585,039); deleting any one gives the same sequence. VCF-style (leftmost placement, unchanged base first): chr3-48585036-CT-C. GRCh37 (hg19) VCF-style: chr3-48622469-CT-C.
Other names: c.3974delA (NM_000094.3); short protein forms K1325fs.
Identifiers: ClinVar variation 2627547 (VCV002627547.2), dbSNP rs1423231619, ClinGen allele CA2582342855.